The following is an entry in ClinVar:

ClinVar aggregate classification (germline): Uncertain significance (1 of 4 stars; one submission).

Conditions:
Early-infantile DEE. Also called: Early infantile epileptic encephalopathy; Ohtahara syndrome; Early infantile epileptic encephalopathy with suppression bursts. Identifiers: Orphanet 1934, MedGen C0393706, MONDO:0800491.

Allele frequency attached by ClinVar (database versions not stated): gnomAD exomes below 0.00001; gnomAD 0.00001.
gnomAD v4.1: 3 of 1,613,022 alleles (0.00019%); highest among the groups gnomAD compares: African/African-American, 0.0027%; no homozygotes.

Submission:

Labcorp Genetics (formerly Invitae), Labcorp
Classification: Uncertain significance for Early-infantile DEE. Last evaluated: 2022-08-16. Review status: criteria provided, single submitter. Criteria: Invitae Variant Classification Sherloc (09022015). Collection method: clinical testing. Allele origin: germline.
Comment: This variant is present in population databases (no rsID available, gnomAD 0.01%). This sequence change replaces methionine, which is neutral and non-polar, with threonine, which is neutral and polar, at codon 249 of the GNAO1 protein (p.Met249Thr). This variant has not been reported in the literature in individuals affected with GNAO1-related conditions. ClinVar contains an entry for this variant (Variation ID: 660930). Advanced modeling of protein sequence and biophysical properties (such as structural, functional, and spatial information, amino acid conservation, physicochemical variation, residue mobility, and thermodynamic stability) performed at Invitae indicates that this missense variant is not expected to disrupt GNAO1 protein function. In summary, the available evidence is currently insufficient to determine the role of this variant in disease. Therefore, it has been classified as a Variant of Uncertain Significance.

NM_020988.3(GNAO1):c.746T>C (p.Met249Thr)

Gene: GNAO1 (G protein subunit alpha o1; plus strand). Cytogenetic location: 16q13.
Variant type: single nucleotide variant.
Coding change: c.746T>C on transcript NM_020988.3 (MANE Select); coding-DNA position 746, T replaced by C.
Protein change: p.Met249Thr; replaces methionine 249 with threonine.
Molecular consequence: missense variant.
Genome position (GRCh38, 1-based): chr16:56,351,406, T>C. VCF-style: chr16-56351406-T-C. GRCh37 (hg19) VCF-style: chr16-56385318-T-C.
Other names: short protein forms M249T.
Identifiers: ClinVar variation 660930 (VCV000660930.9), dbSNP rs1357923280, ClinGen allele CA395954626.
Genomic context (GRCh38, chr16:56,351,406, plus strand): 5'-CGCTGTCTGTCCTCTCTCCTCCCTTCCTGCGGCCGCAGAACCGCATGCACGAGTCTCTCA[T>C]GCTCTTCGACTCCATCTGTAACAACAAGTTCTTCATCGATACCTCCATCATTCTCTTCCT-3'
Protein context (NP_066268.1, residues 239-259): ETTNRMHESL[Met249Thr]LFDSICNNKF